The following is an entry in ClinVar:

NM_020297.4(ABCC9):c.1306G>A (p.Ala436Thr)

Gene: ABCC9 (ATP binding cassette subfamily C member 9; minus strand). Cytogenetic location: 12p12.1.
Variant type: single nucleotide variant.
Coding change: c.1306G>A on transcript NM_020297.4 (MANE Select); coding-DNA position 1306, G replaced by A.
Protein change: p.Ala436Thr; replaces alanine 436 with threonine.
Molecular consequence: missense variant.
Genome position (GRCh38, 1-based): chr12:21,910,171, C>T on the plus strand (G>A on the coding strand, the complement: ABCC9 is on the minus strand). VCF-style: chr12-21910171-C-T. GRCh37 (hg19) VCF-style: chr12-22063105-C-T.
Other names: c.1306G>A, p.Ala436Thr (NM_001377273.1, NM_005691.4); c.442G>A, p.Ala148Thr (NM_001377274.1); short protein forms A436T, A148T.
Identifiers: ClinVar variation 2009656 (VCV002009656.5), dbSNP rs765275705, ClinGen allele CA6481694.

ClinVar aggregate classification (germline): Conflicting classifications of pathogenicity. Review status: criteria provided, conflicting classifications (1 of 4 stars). 2 submissions from 2 submitters: Uncertain significance (1); Likely benign (1). Last evaluated 2022-08-23.

Conditions:
Dilated cardiomyopathy 1O (CMD1O). Also called: CARDIOMYOPATHY, DILATED, WITH VENTRICULAR TACHYCARDIA. Identifiers: Orphanet 154, MedGen C1837839, MONDO:0012062, OMIM 608569.

Allele frequency attached by ClinVar (database versions not stated): ExAC 0.00002; gnomAD 0.00002; gnomAD exomes 0.00002.
gnomAD v4.1: 16 of 1,610,864 alleles (0.00099%); no homozygotes.

Submissions (2):

Blueprint Genetics
Classification: Likely benign. Last evaluated: 2022-08-23. Review status: criteria provided, single submitter. Criteria: ACMG Guidelines, 2015. Collection method: clinical testing. Allele origin: germline.

Labcorp Genetics (formerly Invitae), Labcorp
Classification: Uncertain significance for Dilated cardiomyopathy 1O. Last evaluated: 2022-06-23. Review status: criteria provided, single submitter. Criteria: Invitae Variant Classification Sherloc (09022015). Collection method: clinical testing. Allele origin: germline.
Comment: In summary, the available evidence is currently insufficient to determine the role of this variant in disease. Therefore, it has been classified as a Variant of Uncertain Significance. This sequence change replaces alanine, which is neutral and non-polar, with threonine, which is neutral and polar, at codon 436 of the ABCC9 protein (p.Ala436Thr). This variant is present in population databases (rs765275705, gnomAD 0.02%). This variant has not been reported in the literature in individuals affected with ABCC9-related conditions. Algorithms developed to predict the effect of missense changes on protein structure and function are either unavailable or do not agree on the potential impact of this missense change (SIFT: "Deleterious"; PolyPhen-2: "Benign"; Align-GVGD: "Class C0").